The following is an entry in ClinVar:

ClinVar aggregate classification (germline): Uncertain significance. Review status: criteria provided, multiple submitters, no conflicts (2 of 4 stars). 2 submissions from 2 submitters: Uncertain significance (2). Last evaluated 2024-04-20.

Conditions:
Pulmonary hypertension, primary, 2. Identifiers: Orphanet 422, MedGen C3888002, MONDO:0014134, OMIM 615342.

Allele frequency attached by ClinVar (database versions not stated): ExAC 0.00001; gnomAD 0.00001; TOPMed 0.00003; ESP Exome Variant Server 0.00008.
gnomAD v4.1: 5 of 1,613,862 alleles (0.00031%); highest among the groups gnomAD compares: African/African-American, 0.0027%; no homozygotes.

Submissions (2):

Fulgent Genetics
Classification: Uncertain significance for Pulmonary hypertension, primary, 2. Last evaluated: 2024-04-20. Review status: criteria provided, single submitter. Criteria: ACMG Guidelines, 2015. Collection method: clinical testing. Allele origin: germline.

Johns Hopkins Genomics, Johns Hopkins University
Classification: Uncertain significance for Pulmonary hypertension, primary, 2. Last evaluated: 2022-02-17. Review status: criteria provided, single submitter. Criteria: ACMG Guidelines, 2015. Collection method: clinical testing. Allele origin: germline.
Comment: This SMAD9 variant (rs144183937) is rare (<0.1%) in a large population dataset (gnomAD: 1/251302 total alleles; 0.0004%; no homozygotes). SMAD9 c.205G>A has not been reported in ClinVar nor the literature, to our knowledge. Of three bioinformatics tools queried, one predicts that the substitution would be possibly damaging, while two predict that it would be tolerated, and the valine residue at this position is highly evolutionarily conserved across the species assessed. We consider the clinical significance of SMAD9 c.205G>A to be uncertain at this time.

NM_001127217.3(SMAD9):c.205G>A (p.Val69Ile)

Gene: SMAD9 (SMAD family member 9; minus strand). Cytogenetic location: 13q13.3.
Variant type: single nucleotide variant.
Coding change: c.205G>A on transcript NM_001127217.3 (MANE Select); coding-DNA position 205, G replaced by A.
Protein change: p.Val69Ile; replaces valine 69 with isoleucine.
Molecular consequence: missense variant.
Genome position (GRCh38, 1-based): chr13:36,879,485, C>T on the plus strand (G>A on the coding strand, the complement: SMAD9 is on the minus strand). VCF-style: chr13-36879485-C-T. GRCh37 (hg19) VCF-style: chr13-37453622-C-T.
Other names: c.205G>A, p.Val69Ile (NM_001378621.1, NM_005905.6); short protein forms V69I.
Identifiers: ClinVar variation 1704377 (VCV001704377.2), dbSNP rs144183937, ClinGen allele CA6950624.
Genomic context (GRCh38, chr13:36,879,485, plus strand): 5'-GGGGCAGGCCCTTGCGGTGGGACACCTGCAGCCGCCCGTCCAGGGAGCGGGGAATCGTGA[C>T]GCATTTGCTGGGCTGCCCCGGGCAGCTGAGAGCCCTCTCCAGCTCGTCCATGGCTCCCTT-3'
Protein context (NP_001120689.1, residues 59-79): LSCPGQPSKC[Val69Ile]TIPRSLDGRL